The following is an entry in ClinVar:

ClinVar aggregate classification (germline): Pathogenic. Review status: criteria provided, single submitter (1 of 4 stars). 3 submissions from 3 submitters: Pathogenic (1). 2 of the submissions do not count toward it. Last evaluated 2022-01-27.

Conditions:
Charcot-Marie-Tooth disease type 1C. Also called: CMT, SLOW NERVE CONDUCTION TYPE C; HMSN IC; CHARCOT-MARIE-TOOTH NEUROPATHY, TYPE 1C; NEUROPATHY, HEREDITARY MOTOR AND SENSORY, TYPE IC; Charcot-Marie-Tooth disease, type IC; CHARCOT-MARIE-TOOTH DISEASE, DEMYELINATING, TYPE 1C. Identifiers: Orphanet 101083, MedGen C0270913, MONDO:0010995, OMIM 601098.

Submissions (3):

Labcorp Genetics (formerly Invitae), Labcorp
Classification: Pathogenic for Charcot-Marie-Tooth disease type 1C. Last evaluated: 2022-01-27. Review status: criteria provided, single submitter. Criteria: Invitae Variant Classification Sherloc (09022015). Collection method: clinical testing. Allele origin: germline.
Comment: This variant is also known as SIMPLE p.Trp116Gly. ClinVar contains an entry for this variant (Variation ID: 6059). Algorithms developed to predict the effect of missense changes on protein structure and function (SIFT, PolyPhen-2, Align-GVGD) all suggest that this variant is likely to be disruptive. Experimental studies have shown that this missense change affects LITAF function (PMID: 21896645, 23166352, 23359569, 23576546, 25058650). For these reasons, this variant has been classified as Pathogenic. This missense change has been observed in individuals with Charcot-Marie-Tooth disease (PMID: 12525712, 15122712, 28211240). This sequence change replaces tryptophan, which is neutral and slightly polar, with glycine, which is neutral and non-polar, at codon 116 of the LITAF protein (p.Trp116Gly). This variant is not present in population databases (gnomAD no frequency).

OMIM
Classification: Pathogenic for CHARCOT-MARIE-TOOTH DISEASE, TYPE 1C. Last evaluated: 2003-01-14. Review status: no assertion criteria provided. Collection method: literature only. Allele origin: germline. Not counted in ClinVar's aggregate classification.

GeneReviews
No classification provided. Condition: Charcot-Marie-Tooth disease type 1C. Review status: no classification provided. Collection method: literature only. Allele origin: unknown. Not counted in ClinVar's aggregate classification.

Literature cited by the submitters: PubMed 21896645 (cited by Labcorp Genetics (formerly Invitae), Labcorp); PubMed 23166352 (cited by Labcorp Genetics (formerly Invitae), Labcorp); PubMed 23359569 (cited by Labcorp Genetics (formerly Invitae), Labcorp); PubMed 23576546 (cited by Labcorp Genetics (formerly Invitae), Labcorp); PubMed 25058650 (cited by Labcorp Genetics (formerly Invitae), Labcorp); PubMed 12525712 (cited by Labcorp Genetics (formerly Invitae), Labcorp and OMIM); PubMed 15122712 (cited by Labcorp Genetics (formerly Invitae), Labcorp); PubMed 28211240 (cited by Labcorp Genetics (formerly Invitae), Labcorp); PubMed 20301384 (cited by GeneReviews); NCBI Bookshelf NBK1205 (cited by GeneReviews).

NM_001136472.2(LITAF):c.346T>G (p.Trp116Gly)

Gene: LITAF (lipopolysaccharide induced TNF factor; minus strand). Cytogenetic location: 16p13.13.
Variant type: single nucleotide variant.
Coding change: c.346T>G on transcript NM_001136472.2 (MANE Select); coding-DNA position 346, T replaced by G.
Protein change: p.Trp116Gly; replaces tryptophan 116 with glycine.
Molecular consequence: missense variant. On other transcripts: non-coding transcript variant (1).
Genome position (GRCh38, 1-based): chr16:11,553,564, A>C on the plus strand (T>G on the coding strand, the complement: LITAF is on the minus strand). VCF-style: chr16-11553564-A-C. GRCh37 (hg19) VCF-style: chr16-11647420-A-C.
Other names: c.346T>G, p.Trp116Gly (NM_001136473.1, NM_004862.4); short protein forms W116G.
Identifiers: ClinVar variation 6059 (VCV000006059.8), dbSNP rs104894521, ClinGen allele CA340515.